The following is an entry in ClinVar:

NM_017617.5(NOTCH1):c.1698C>G (p.Asp566Glu)

Gene: NOTCH1 (notch receptor 1; minus strand). Cytogenetic location: 9q34.3.
Variant type: single nucleotide variant.
Coding change: c.1698C>G on transcript NM_017617.5 (MANE Select); coding-DNA position 1698, C replaced by G.
Protein change: p.Asp566Glu; replaces aspartic acid 566 with glutamic acid.
Molecular consequence: missense variant.
Genome position (GRCh38, 1-based): chr9:136,515,688, G>C on the plus strand (C>G on the coding strand, the complement: NOTCH1 is on the minus strand). VCF-style: chr9-136515688-G-C. GRCh37 (hg19) VCF-style: chr9-139410140-G-C.
Other names: short protein forms D566E.
Identifiers: ClinVar variation 2904706 (VCV002904706.3), dbSNP rs541992446, ClinGen allele CA375560472.
Genomic context (GRCh38, chr9:136,515,688, plus strand): 5'-GGTGGCGACGCCGTCCTTGCAGGAGCCGTAGTGGCAGGGGTCGGGGTCGCACTCATCGAT[G>C]TCCACCTCGCAGTGCGTCCCCGTGTACCCTGGACCGTGGGAGGGGCGGGCACAGGAAGAC-3'
Protein context (NP_060087.3, residues 556-576): EGYTGTHCEV[Asp566Glu]IDECDPDPCH

ClinVar aggregate classification (germline): Uncertain significance (1 of 4 stars; one submission).

Conditions:
Adams-Oliver syndrome 5 (AOS5). Identifiers: Orphanet 974, MedGen C4014970, MONDO:0014459, OMIM 616028.

Submission:

Labcorp Genetics (formerly Invitae), Labcorp
Classification: Uncertain significance for Adams-Oliver syndrome 5. Last evaluated: 2023-08-17. Review status: criteria provided, single submitter. Criteria: Invitae Variant Classification Sherloc (09022015). Collection method: clinical testing. Allele origin: germline.
Comment: Advanced modeling of protein sequence and biophysical properties (such as structural, functional, and spatial information, amino acid conservation, physicochemical variation, residue mobility, and thermodynamic stability) performed at Invitae indicates that this missense variant is not expected to disrupt NOTCH1 protein function. In summary, the available evidence is currently insufficient to determine the role of this variant in disease. Therefore, it has been classified as a Variant of Uncertain Significance. This variant has not been reported in the literature in individuals affected with NOTCH1-related conditions. This variant is not present in population databases (gnomAD no frequency). This sequence change replaces aspartic acid, which is acidic and polar, with glutamic acid, which is acidic and polar, at codon 566 of the NOTCH1 protein (p.Asp566Glu).